The following is an entry in ClinVar:

NM_005342.4(HMGB3):c.-6+9C>G

Gene: HMGB3 (high mobility group box 3; plus strand). Cytogenetic location: Xq28.
Variant type: single nucleotide variant.
Coding change: c.-6+9C>G on transcript NM_005342.4 (MANE Select); 9 bases into the intron after 6 bases upstream of the start codon, C replaced by G.
Molecular consequence: intron variant. On other transcripts: 5 prime UTR variant (2).
Genome position (GRCh38, 1-based): chrX:150,983,385, C>G. VCF-style: chrX-150983385-C-G. GRCh37 (hg19) VCF-style: chrX-150151858-C-G.
Other names: c.-212C>G (NM_001301228.2); c.-326C>G (NM_001440774.1); c.56-2210C>G (NM_001301231.2); c.-2+9C>G (NM_001301229.2).
Identifiers: ClinVar variation 4882395 (VCV004882395.2).

ClinVar aggregate classification (germline): Uncertain significance (1 of 4 stars; one submission).

Submission:

Dasa
Classification: Uncertain significance. Last evaluated: 2025-07-28. Review status: criteria provided, single submitter. Criteria: DASA Assertion Criteria. Collection method: clinical testing. Allele origin: germline.
Comment: NM_005342.4(HMGB3):c.-6+9C>G is a splice-region variant. This variant is rare in population databases. Computational prediction algorithms are consistent with a benign effect. The currently available literature and clinical evidence are not sufficient to establish a definitive association between this variant and the reported condition. Therefore, this variant is classified as a variant of uncertain significance.